The following is an entry in ClinVar:

ClinVar aggregate classification (germline): Uncertain significance (1 of 4 stars; one submission).

Conditions:
Dyskeratosis congenita. Identifiers: Orphanet 1775, MedGen C0265965, MONDO:0015780.

Submission:

Labcorp Genetics (formerly Invitae), Labcorp
Classification: Uncertain significance for Dyskeratosis congenita. Last evaluated: 2025-07-18. Review status: criteria provided, single submitter. Criteria: Invitae Variant Classification Sherloc (09022015). Collection method: clinical testing. Allele origin: germline.
Comment: This sequence change replaces isoleucine, which is neutral and non-polar, with valine, which is neutral and non-polar, at codon 1031 of the CTC1 protein (p.Ile1031Val). This variant is not present in population databases (gnomAD no frequency). This variant has not been reported in the literature in individuals affected with CTC1-related conditions. Invitae Evidence Modeling of protein sequence and biophysical properties (such as structural, functional, and spatial information, amino acid conservation, physicochemical variation, residue mobility, and thermodynamic stability) indicates that this missense variant is not expected to disrupt CTC1 protein function with a negative predictive value of 80%. In summary, the available evidence is currently insufficient to determine the role of this variant in disease. Therefore, it has been classified as a Variant of Uncertain Significance.

NM_025099.6(CTC1):c.3091A>G (p.Ile1031Val)

Gene: CTC1 (CST telomere replication complex component 1; minus strand). Cytogenetic location: 17p13.1.
Variant type: single nucleotide variant.
Coding change: c.3091A>G on transcript NM_025099.6 (MANE Select); coding-DNA position 3091, A replaced by G.
Protein change: p.Ile1031Val; replaces isoleucine 1031 with valine.
Molecular consequence: missense variant. On other transcripts: non-coding transcript variant (1).
Genome position (GRCh38, 1-based): chr17:8,229,367, T>C on the plus strand (A>G on the coding strand, the complement: CTC1 is on the minus strand). VCF-style: chr17-8229367-T-C. GRCh37 (hg19) VCF-style: chr17-8132685-T-C.
Other names: c.3091A>G, p.Ile1031Val (NM_001411067.1); short protein forms I1031V.
Identifiers: ClinVar variation 4804990 (VCV004804990.1).
Genomic context (GRCh38, chr17:8,229,367, plus strand): 5'-GGCAGATGCTGGTACAATAAGCACACACCCAGAAGAGCTGAAGGCTGAAGACAGAGACGA[T>C]ATGGCAAGAGGCAGTGGCCTGGAATGGGGACTGACCACCCTGCAGAAGTTCAGCCAGGTA-3'
Protein context (NP_079375.3, residues 1021-1041): SPFQATASCH[Ile1031Val]VSVFSLQLFW